The following is an entry in ClinVar:

ClinVar aggregate classification (germline): Pathogenic. Review status: criteria provided, multiple submitters, no conflicts (2 of 4 stars). 2 submissions from 2 submitters: Pathogenic (2). Last evaluated 2023-10-04.

Conditions:
Hereditary cancer-predisposing syndrome. Also called: Tumor predisposition; Neoplastic Syndromes, Hereditary; Hereditary Cancer Syndrome; Hereditary neoplastic syndrome. Identifiers: Orphanet 140162, MedGen C0027672, MeSH D009386, MONDO:0015356.
Familial thoracic aortic aneurysm and aortic dissection (TAAD). Also called: Thoracic aortic aneurysms and dissections. Identifiers: Orphanet 91387, MedGen C4707243, MONDO:0019625.
Juvenile polyposis syndrome (JPS). Identifiers: Orphanet 2929, MedGen C0345893, MONDO:0017380, OMIM 174900.

Submissions (2):

Labcorp Genetics (formerly Invitae), Labcorp
Classification: Pathogenic for Juvenile polyposis syndrome. Last evaluated: 2023-10-04. Review status: criteria provided, single submitter. Criteria: Invitae Variant Classification Sherloc (09022015). Collection method: clinical testing. Allele origin: germline.
Comment: This sequence change creates a premature translational stop signal (p.His92Argfs*11) in the SMAD4 gene. It is expected to result in an absent or disrupted protein product. Loss-of-function variants in SMAD4 are known to be pathogenic (PMID: 16152648, 16436638, 22810475). This variant is not present in population databases (gnomAD no frequency). This variant has not been reported in the literature in individuals affected with SMAD4-related conditions. ClinVar contains an entry for this variant (Variation ID: 486989). For these reasons, this variant has been classified as Pathogenic.

Ambry Genetics
Classification: Pathogenic for Hereditary cancer-predisposing syndrome; Familial thoracic aortic aneurysm and aortic dissection. Last evaluated: 2023-02-27. Review status: criteria provided, single submitter. Criteria: Ambry Variant Classification Scheme 2023. Collection method: clinical testing. Allele origin: germline.
Comment: The c.275_276delAT pathogenic mutation, located in coding exon 2 of the SMAD4 gene, results from a deletion of two nucleotides at nucleotide positions 275 to 276, causing a translational frameshift with a predicted alternate stop codon (p.H92Rfs*11). This alteration is expected to result in loss of function by premature protein truncation or nonsense-mediated mRNA decay. This alteration has been observed in at least one individual with a personal and/or family history that is consistent with SMAD4-related disease (Ambry internal data). This variant is considered to be rare based on population cohorts in the Genome Aggregation Database (gnomAD). As such, this alteration is interpreted as a disease-causing mutation.

Literature cited by the submitters: PubMed 16152648 (cited by Labcorp Genetics (formerly Invitae), Labcorp); PubMed 16436638 (cited by Labcorp Genetics (formerly Invitae), Labcorp); PubMed 22810475 (cited by Labcorp Genetics (formerly Invitae), Labcorp).

NM_005359.6(SMAD4):c.275_276del (p.His92fs)

Gene: SMAD4 (SMAD family member 4; plus strand). Cytogenetic location: 18q21.2.
Variant type: Deletion.
Coding change: c.275_276del on transcript NM_005359.6 (MANE Select); coding-DNA positions 275 to 276, 2 bases deleted (AT; older notation c.275_276delAT).
Protein change: p.His92fs; shifts the reading frame from histidine 92.
Molecular consequence: frameshift variant.
Genome position (GRCh38, 1-based): chr18:51,048,711-51,048,712, AT deleted. VCF-style (leftmost placement, unchanged base first): chr18-51048710-CAT-C. GRCh37 (hg19) VCF-style: chr18-48575080-CAT-C.
Other names: c.275_276delAT (NM_005359.5); short protein forms H92fs.
Identifiers: ClinVar variation 486989 (VCV000486989.9), dbSNP rs1555685156, ClinGen allele CA658658740.